The following is an entry in ClinVar:

ClinVar aggregate classification (germline): Conflicting classifications of pathogenicity. Review status: criteria provided, conflicting classifications (1 of 4 stars). 5 submissions from 5 submitters: Uncertain significance (2); Benign (1); Likely benign (2). Last evaluated 2025-12-16.

Conditions:
Schaaf-Yang syndrome (SHFYNG). Also called: MAGEL2-related Prader-Willi-like syndrome; Arthrogryposis, distal, with hypopituitarism, intellectual disability, and facial anomalies. Identifiers: Orphanet 398069, MedGen C5575066, MONDO:0014243, OMIM 615547.

Submissions (5):

Labcorp Genetics (formerly Invitae), Labcorp
Classification: Benign. Last evaluated: 2025-12-16. Review status: criteria provided, single submitter. Criteria: Invitae Variant Classification Sherloc (09022015). Collection method: clinical testing. Allele origin: germline.

CeGaT Center for Human Genetics Tuebingen
Classification: Likely benign. Last evaluated: 2025-02-01. Review status: criteria provided, single submitter. Criteria: CeGaT Center For Human Genetics Tuebingen Variant Classification Criteria Version 2. Collection method: clinical testing. Allele origin: germline. Affected: yes. Observed: 1 variant allele.
Comment: MAGEL2: PM4, BS1

Blueprint Genetics
Classification: Likely benign. Last evaluated: 2024-10-15. Review status: criteria provided, single submitter. Criteria: ACMG Guidelines, 2015. Collection method: clinical testing. Allele origin: germline.

Eurofins Ntd Llc (ga)
Classification: Uncertain significance. Last evaluated: 2015-01-29. Review status: criteria provided, single submitter. Criteria: EGL Classification Definitions 2015. Collection method: clinical testing. Allele origin: germline. Observed: 2 variant alleles, 2 heterozygotes.

Breakthrough Genomics
Classification: Uncertain significance. Review status: criteria provided, single submitter. Criteria: ACMG Guidelines, 2015. Collection method: not provided. Allele origin: germline. Inheritance: Autosomal dominant inheritance. Affected: yes.

NM_019066.5(MAGEL2):c.479CCCATCCTCCTCCTCCGGGGACCCCGATGG[1] (p.160AHPPPPGTPM[1])

Gene: MAGEL2 (MAGE family member L2; minus strand). Cytogenetic location: 15q11.2.
Variant type: Microsatellite.
Coding change: c.479CCCATCCTCCTCCTCCGGGGACCCCGATGG[1] on transcript NM_019066.5 (MANE Select); one copy of the 30-base unit CCCATCCTCCTCCTCCGGGGACCCCGATGG starting at c.479; the reference has two copies in a row; one copy, 30 bases deleted; also written c.509_538del.
Protein change: p.160AHPPPPGTPM[1].
Molecular consequence: inframe deletion.
Genome position (GRCh38, 1-based): chr15:23,647,205-23,647,234, CCATCGGGGTCCCCGGAGGAGGAGGATGGG deleted on the plus strand (CCCATCCTCCTCCTCCGGGGACCCCGATGG on the coding strand, the reverse complement: MAGEL2 is on the minus strand); deleting any 30 consecutive bases within chr15:23,647,205-23,647,268 gives the same sequence; the position shown is the placement nearest the transcript's 3' end. VCF-style (leftmost placement, unchanged base first): chr15-23647204-ACCATCGGGGTCCCCGGAGGAGGAGGATGGG-A. GRCh37 (hg19) VCF-style: chr15-23892351-ACCATCGGGGTCCCCGGAGGAGGAGGATGGG-A.
Other names: c.509_538del (NM_019066.4).
Identifiers: ClinVar variation 193412 (VCV000193412.25), dbSNP rs751352401, ClinGen allele CA238935.